The following is an entry in ClinVar:

ClinVar aggregate classification (germline): Uncertain significance (0 of 4 stars; one submission).

Conditions:
PLXNA4-related disorder. Also called: PLXNA4-related condition.

Submission:

PreventionGenetics, part of Exact Sciences
Classification: Uncertain significance for PLXNA4-related condition. Last evaluated: 2024-03-01. Review status: no assertion criteria provided. Collection method: clinical testing. Allele origin: germline.
Comment: The PLXNA4 c.2332C>A variant is predicted to result in the amino acid substitution p.Pro778Thr. To our knowledge, this variant has not been reported in the literature or in a large population database, indicating this variant is rare. At this time, the clinical significance of this variant is uncertain due to the absence of conclusive functional and genetic evidence.

NM_020911.2(PLXNA4):c.2332C>A (p.Pro778Thr)

Gene: PLXNA4 (plexin A4; minus strand). Cytogenetic location: 7q32.3.
Variant type: single nucleotide variant.
Coding change: c.2332C>A on transcript NM_020911.2 (MANE Select); coding-DNA position 2332, C replaced by A.
Protein change: p.Pro778Thr; replaces proline 778 with threonine.
Molecular consequence: missense variant.
Genome position (GRCh38, 1-based): chr7:132,203,386, G>T on the plus strand (C>A on the coding strand, the complement: PLXNA4 is on the minus strand). VCF-style: chr7-132203386-G-T. GRCh37 (hg19) VCF-style: chr7-131888145-G-T.
Other names: c.2332C>A, p.Pro778Thr (NM_001393897.1); short protein forms P778T.
Identifiers: ClinVar variation 3349862 (VCV003349862.1).